The following is an entry in ClinVar:

ClinVar aggregate classification (germline): Pathogenic (1 of 4 stars; one submission).

Conditions:
Glycine encephalopathy. Also called: Non-ketotic hyperglycinemia; Nonketotic hyperglycinemia. Identifiers: Orphanet 407, MedGen C0751748, MONDO:0011612, HP:0008288.

Submission:

Labcorp Genetics (formerly Invitae), Labcorp
Classification: Pathogenic for Glycine encephalopathy. Last evaluated: 2021-06-05. Review status: criteria provided, single submitter. Criteria: Invitae Variant Classification Sherloc (09022015). Collection method: clinical testing. Allele origin: germline.
Comment: Disruption of this splice site has been observed in individual(s) with classic non-ketotic hyperglycinemia (PMID: 27362913). In at least one individual the data is consistent with the variant being in trans (on the opposite chromosome) from a pathogenic variant. This variant is not present in population databases (ExAC no frequency). This sequence change affects a donor splice site in intron 22 of the GLDC gene. It is expected to disrupt RNA splicing. Variants that disrupt the donor or acceptor splice site typically lead to a loss of protein function (PMID: 16199547), and loss-of-function variants in GLDC are known to be pathogenic (PMID: 16601880). Algorithms developed to predict the effect of sequence changes on RNA splicing suggest that this variant may disrupt the consensus splice site, but this prediction has not been confirmed by published transcriptional studies. For these reasons, this variant has been classified as Pathogenic.

Literature cited by the submitters: PubMed 27362913; PubMed 16199547; PubMed 16601880.

NM_000170.3(GLDC):c.2665+1G>A

Gene: GLDC (glycine decarboxylase; minus strand). Cytogenetic location: 9p24.1.
Variant type: single nucleotide variant.
Coding change: c.2665+1G>A on transcript NM_000170.3 (MANE Select); the canonical splice donor site of the intron after coding-DNA position 2665, G replaced by A.
Molecular consequence: splice donor variant.
Genome position (GRCh38, 1-based): chr9:6,540,050, C>T on the plus strand (G>A on the coding strand, the complement: GLDC is on the minus strand). VCF-style: chr9-6540050-C-T. GRCh37 (hg19) VCF-style: chr9-6540050-C-T.
Identifiers: ClinVar variation 1458908 (VCV001458908.8), dbSNP rs149070244, ClinGen allele CA372883386.
Genomic context (GRCh38, chr9:6,540,050, plus strand): 5'-TGCTTTAGGAAGTGGTCCACAGCCAGCATGGGCGGCGGCATGAATGTCAAAAGCCACTTA[C>T]CATAATCCTGGAGTCTCTTGGCCACATCCACAGCCTCAATATTTGCAGACTTTTTGAAGG-3'